The following is an entry in ClinVar:

ClinVar aggregate classification (germline): Benign/Likely benign. Review status: criteria provided, multiple submitters, no conflicts (2 of 4 stars). 2 submissions from 2 submitters: Benign (1); Likely benign (1). Last evaluated 2026-02-05.

gnomAD v4.1: 463 of 1,455,398 alleles (0.032%); highest among the groups gnomAD compares: African/African-American, 0.59%; no homozygotes.

Submissions (2):

Women's Health and Genetics/Laboratory Corporation of America, LabCorp
Classification: Benign. Last evaluated: 2026-02-05. Review status: criteria provided, single submitter. Criteria: LabCorp Variant Classification Summary - May 2015. Collection method: clinical testing. Allele origin: germline.
Comment: Variant summary: FCHO1 c.*18C>T is located in the untranslated mRNA region downstream of the termination codon. The variant allele was found at a frequency of 0.00044 in 241462 control chromosomes, predominantly at a frequency of 0.0059 within the African or African-American subpopulation in the gnomAD database. The observed variant frequency within African or African-American control individuals in the gnomAD database exceeds the estimated maximal expected allele frequency for disease-causing variants in FCHO1. To our knowledge, no occurrence of c.*18C>T in individuals affected with FCHO1-related conditions and no experimental evidence demonstrating its impact on protein function have been reported. No submitters have cited clinical-significance assessments for this variant to ClinVar. Based on the evidence outlined above, the variant was classified as benign.

Blueprint Genetics
Classification: Likely benign. Last evaluated: 2024-10-07. Review status: criteria provided, single submitter. Criteria: ACMG Guidelines, 2015. Collection method: clinical testing. Allele origin: germline.

NM_015122.3(FCHO1):c.*18C>T

Gene: FCHO1 (FCH and mu domain containing endocytic adaptor 1; plus strand). Cytogenetic location: 19p13.11.
Variant type: single nucleotide variant.
Coding change: c.*18C>T on transcript NM_015122.3 (MANE Select); 18 bases downstream of the stop codon, C replaced by T.
Molecular consequence: 3 prime UTR variant. On other transcripts: missense variant (3), non-coding transcript variant (36).
Genome position (GRCh38, 1-based): chr19:17,788,324, C>T. VCF-style: chr19-17788324-C-T. GRCh37 (hg19) VCF-style: chr19-17899133-C-T.
Other names: c.*26C>T (NM_001161357.2, NM_001384392.1); c.*18C>T (NM_001161358.2, NM_001161359.2, NM_001384370.1 and 31 more transcripts); c.2488C>T, p.Pro830Ser (NM_001384391.1); c.2212C>T, p.Pro738Ser (NM_001384404.1); c.2062C>T, p.Pro688Ser (NM_001384406.1); short protein forms P688S, P738S, P830S.
Identifiers: ClinVar variation 4688970 (VCV004688970.3).